The following is an entry in ClinVar:

ClinVar aggregate classification (germline): Uncertain significance (1 of 4 stars; one submission).

Conditions:
Oligodontia-cancer predisposition syndrome. Also called: TOOTH AGENESIS-COLORECTAL CANCER SYNDROME. Identifiers: Orphanet 300576, MedGen C1837750, MONDO:0012075, OMIM 608615. Disease mechanism: loss of function.

Submission:

Labcorp Genetics (formerly Invitae), Labcorp
Classification: Uncertain significance for Oligodontia-cancer predisposition syndrome. Last evaluated: 2022-10-24. Review status: criteria provided, single submitter. Criteria: Invitae Variant Classification Sherloc (09022015). Collection method: clinical testing. Allele origin: germline.
Comment: This sequence change replaces serine, which is neutral and polar, with alanine, which is neutral and non-polar, at codon 727 of the AXIN2 protein (p.Ser727Ala). This variant is not present in population databases (gnomAD no frequency). This variant has not been reported in the literature in individuals affected with AXIN2-related conditions. Algorithms developed to predict the effect of missense changes on protein structure and function output the following: SIFT: "Tolerated"; PolyPhen-2: "Benign"; Align-GVGD: "Class C0". The alanine amino acid residue is found in multiple mammalian species, which suggests that this missense change does not adversely affect protein function. In summary, the available evidence is currently insufficient to determine the role of this variant in disease. Therefore, it has been classified as a Variant of Uncertain Significance.

NM_004655.4(AXIN2):c.2179T>G (p.Ser727Ala)

Gene: AXIN2 (axin 2; minus strand). Cytogenetic location: 17q24.1.
Variant type: single nucleotide variant.
Coding change: c.2179T>G on transcript NM_004655.4 (MANE Select); coding-DNA position 2179, T replaced by G.
Protein change: p.Ser727Ala; replaces serine 727 with alanine.
Molecular consequence: missense variant.
Genome position (GRCh38, 1-based): chr17:65,535,684, A>C on the plus strand (T>G on the coding strand, the complement: AXIN2 is on the minus strand). VCF-style: chr17-65535684-A-C. GRCh37 (hg19) VCF-style: chr17-63531802-A-C.
Other names: c.1984T>G, p.Ser662Ala (NM_001363813.1); short protein forms S662A, S727A.
Identifiers: ClinVar variation 2809552 (VCV002809552.3), dbSNP rs1064795595, ClinGen allele CA400675802.
Genomic context (GRCh38, chr17:65,535,684, plus strand): 5'-ACTCTTCTGGAGCCAGGCTTGGATTGGAGAAGGGTGTGGCTCCCGTCTGAACAGTGGCCG[A>C]ATGATTCCTGTCCCTCTGCTGACTGGCCACACAGCACCTGAGGACACAGCCAGGGCGAGG-3'
Protein context (NP_004646.3, residues 717-737): VASQQRDRNH[Ser727Ala]ATVQTGATPF